The following is an entry in ClinVar:

NM_000179.3(MSH6):c.1699_1703delinsTAC (p.Lys567fs)

Gene: MSH6 (mutS homolog 6; plus strand). Cytogenetic location: 2p16.3.
Variant type: Indel.
Coding change: c.1699_1703delinsTAC on transcript NM_000179.3 (MANE Select); coding-DNA positions 1699 to 1703, AAGTT replaced by TAC.
Protein change: p.Lys567fs; shifts the reading frame from lysine 567.
Molecular consequence: frameshift variant.
Genome position (GRCh38, 1-based): chr2:47,799,682-47,799,686, AAGTT replaced by TAC. VCF-style: chr2-47799682-AAGTT-TAC. GRCh37 (hg19) VCF-style: chr2-48026821-AAGTT-TAC.
Other names: c.793_797delinsTAC, p.Lys265fs (NM_001281493.2, NM_001281494.2); c.1795_1799delAAGTTinsTAC, p.Lys599Tyrfs (NM_001406795.1, NM_001406802.1); c.1699_1703delAAGTTinsTAC, p.Lys567Tyrfs (NM_001406796.1, NM_001406798.1, NM_001406800.1 and 3 more transcripts); c.1402_1406delAAGTTinsTAC, p.Lys468Tyrfs (NM_001406797.1, NM_001406801.1, NM_001406805.1 and 10 more transcripts); c.1174_1178delAAGTTinsTAC, p.Lys392Tyrfs (NM_001406799.1, NM_001406806.1, NM_001406807.1); c.1621_1625delAAGTTinsTAC, p.Lys541Tyrfs (NM_001406804.1); c.793_797delAAGTTinsTAC, p.Lys265Tyrfs (NM_001406811.1, NM_001406812.1, NM_001406814.1 and 4 more transcripts); c.1705_1709delAAGTTinsTAC, p.Lys569Tyrfs (NM_001406813.1); and 2 more; short protein forms K437fs, K265fs, K567fs.
Identifiers: ClinVar variation 1778281 (VCV001778281.2), dbSNP rs2530625479, ClinGen allele CA2580067677.
Genomic context (GRCh38, chr2:47,799,682, plus strand): 5'-GAAGATTCTTCTGGCCATACTCGTGCATATGGTGTGTGCTTTGTTGATACTTCACTGGGA[AAGTT>TAC]TTTCATAGGTCAGTTTTCAGATGATCGCCATTGTTCGAGATTTAGGACTCTAGTGGCACA-3'

ClinVar aggregate classification (germline): Pathogenic (1 of 4 stars; one submission).

Conditions:
Hereditary cancer-predisposing syndrome. Also called: Neoplastic Syndromes, Hereditary; Tumor predisposition; Hereditary Cancer Syndrome; Hereditary neoplastic syndrome. Identifiers: Orphanet 140162, MedGen C0027672, MeSH D009386, MONDO:0015356.

Submission:

Ambry Genetics
Classification: Pathogenic for Hereditary cancer-predisposing syndrome. Last evaluated: 2020-02-12. Review status: criteria provided, single submitter. Criteria: Ambry Variant Classification Scheme 2023. Collection method: clinical testing. Allele origin: germline.
Comment: The c.1699_1703delAAGTTinsTAC pathogenic mutation, located in coding exon 4 of the MSH6 gene, results from the deletion of 5 nucleotides and insertion of 3 nucleotides causing a translational frameshift with a predicted alternate stop codon (p.K567Yfs*9). This alteration is expected to result in loss of function by premature protein truncation or nonsense-mediated mRNA decay. As such, this alteration is interpreted as a disease-causing mutation.